The following is an entry in ClinVar:

ClinVar aggregate classification (germline): Uncertain significance (1 of 4 stars; one submission).

Conditions:
Hereditary cancer-predisposing syndrome. Also called: Neoplastic Syndromes, Hereditary; Tumor predisposition; Hereditary neoplastic syndrome; Hereditary Cancer Syndrome. Identifiers: Orphanet 140162, MedGen C0027672, MeSH D009386, MONDO:0015356.

Submission:

Ambry Genetics
Classification: Uncertain significance for Hereditary cancer-predisposing syndrome. Last evaluated: 2023-02-24. Review status: criteria provided, single submitter. Criteria: Ambry Variant Classification Scheme 2023. Collection method: clinical testing. Allele origin: germline.
Comment: The p.T498N variant (also known as c.1493C>A), located in coding exon 7 of the ALK gene, results from a C to A substitution at nucleotide position 1493. The threonine at codon 498 is replaced by asparagine, an amino acid with similar properties. This amino acid position is conserved. In addition, this alteration is predicted to be tolerated by in silico analysis. Since supporting evidence is limited at this time, the clinical significance of this alteration remains unclear.

NM_004304.5(ALK):c.1493C>A (p.Thr498Asn)

Gene: ALK (ALK receptor tyrosine kinase; minus strand). Cytogenetic location: 2p23.2.
Variant type: single nucleotide variant.
Coding change: c.1493C>A on transcript NM_004304.5 (MANE Select); coding-DNA position 1493, C replaced by A.
Protein change: p.Thr498Asn; replaces threonine 498 with asparagine.
Molecular consequence: missense variant.
Genome position (GRCh38, 1-based): chr2:29,320,804, G>T on the plus strand (C>A on the coding strand, the complement: ALK is on the minus strand). VCF-style: chr2-29320804-G-T. GRCh37 (hg19) VCF-style: chr2-29543670-G-T.
Other names: short protein forms T498N.
Identifiers: ClinVar variation 2452135 (VCV002452135.2), dbSNP rs2465435434, ClinGen allele CA346472382.
Genomic context (GRCh38, chr2:29,320,804, plus strand): 5'-GTAGTACCTTGGTGGTCCTGGAACCGGGCATCCTTTAGGGTCCTGACCTGCCATTGAGGA[G>T]TGTGGGGTGACAGTGTGCCTTGGGTCCAGCCACAGAAGCCATCTTCAAAGTTGCAGTAAA-3'
Protein context (NP_004295.2, residues 488-508): GWTQGTLSPH[Thr498Asn]PQWQVRTLKD